The following is an entry in ClinVar:

NM_020232.5(PSMG2):c.288+1G>C

Gene: PSMG2 (proteasome assembly chaperone 2; plus strand). Cytogenetic location: 18p11.21.
Variant type: single nucleotide variant.
Coding change: c.288+1G>C on transcript NM_020232.5 (MANE Select); the canonical splice donor site of the intron after coding-DNA position 288, G replaced by C.
Molecular consequence: splice donor variant.
Genome position (GRCh38, 1-based): chr18:12,712,761, G>C. VCF-style: chr18-12712761-G-C. GRCh37 (hg19) VCF-style: chr18-12712760-G-C.
Other names: c.195+1G>C (NM_147163.2).
Identifiers: ClinVar variation 1420263 (VCV001420263.6), dbSNP rs780003951, ClinGen allele CA296717910.

ClinVar aggregate classification (germline): Uncertain significance (1 of 4 stars; one submission).

Allele frequency attached by ClinVar (database versions not stated): gnomAD exomes 0.00001 and 0.00006.
gnomAD v4.1: 85 of 1,601,216 alleles (0.0053%); highest among the groups gnomAD compares: Non-Finnish European, 0.0073%; no homozygotes.

Submission:

Labcorp Genetics (formerly Invitae), Labcorp
Classification: Uncertain significance. Last evaluated: 2025-11-13. Review status: criteria provided, single submitter. Criteria: Invitae Variant Classification Sherloc (09022015). Collection method: clinical testing. Allele origin: germline.
Comment: This sequence change affects a donor splice site in intron 3 of the PSMG2 gene. It is expected to disrupt RNA splicing. Variants that disrupt the donor or acceptor splice site typically lead to a loss of protein function (PMID: 16199547), however the current clinical and genetic evidence is not sufficient to establish whether loss-of-function variants in PSMG2 cause disease. This variant is present in population databases (rs780003951, gnomAD 0.002%). This variant has not been reported in the literature in individuals affected with PSMG2-related conditions. ClinVar contains an entry for this variant (Variation ID: 1420263). Algorithms developed to predict the effect of sequence changes on RNA splicing suggest that this variant may disrupt the consensus splice site. In summary, the available evidence is currently insufficient to determine the role of this variant in disease. Therefore, it has been classified as a Variant of Uncertain Significance.

Literature cited by the submitters: PubMed 16199547.